The following is an entry in ClinVar:

NM_000283.4(PDE6B):c.1042G>A (p.Val348Met)

Gene: PDE6B (phosphodiesterase 6B; plus strand). Cytogenetic location: 4p16.3.
Variant type: single nucleotide variant.
Coding change: c.1042G>A on transcript NM_000283.4 (MANE Select); coding-DNA position 1042, G replaced by A.
Protein change: p.Val348Met; replaces valine 348 with methionine.
Molecular consequence: missense variant. On other transcripts: intron variant (1).
Genome position (GRCh38, 1-based): chr4:655,989, G>A. VCF-style: chr4-655989-G-A. GRCh37 (hg19) VCF-style: chr4-649778-G-A.
Other names: c.1042G>A, p.Val348Met (NM_001145291.2); c.205G>A, p.Val69Met (NM_001145292.2, NM_001350154.3, NM_001379246.1 and 1 more transcripts); c.-48-885G>A (NM_001350155.3); short protein forms V348M, V69M.
Identifiers: ClinVar variation 3305409 (VCV003305409.3).

ClinVar aggregate classification (germline): Uncertain significance. Review status: criteria provided, multiple submitters, no conflicts (2 of 4 stars). 2 submissions from 2 submitters: Uncertain significance (2). Last evaluated 2024-03-18.

Conditions:
Retinitis pigmentosa 40 (RP40). Identifiers: Orphanet 791, MedGen C3151107, MONDO:0013429, OMIM 613801.
Congenital stationary night blindness autosomal dominant 2. Also called: NIGHT BLINDNESS, CONGENITAL STATIONARY, RAMBUSCH TYPE. Identifiers: Orphanet 215, MedGen C1876182, MONDO:0008099, OMIM 163500.
Inborn genetic diseases. Identifiers: MedGen C0950123, MeSH D030342.

gnomAD v4.1: 5 of 1,607,850 alleles (0.00031%); highest among the groups gnomAD compares: South Asian, 0.0011%; no homozygotes.

Submissions (2):

Ambry Genetics
Classification: Uncertain significance for Inborn genetic diseases. Last evaluated: 2024-03-18. Review status: criteria provided, single submitter. Criteria: Ambry Variant Classification Scheme 2023. Collection method: clinical testing. Allele origin: germline.

Juno Genomics, Hangzhou Juno Genomics, Inc
Classification: Uncertain significance for Congenital stationary night blindness autosomal dominant 2; Retinitis pigmentosa 40. Review status: criteria provided, single submitter. Criteria: ACMG Guidelines, 2015. Collection method: clinical testing. Allele origin: germline.
Comment: Absent from controls (or at extremely low frequency if recessive) in Genome Aggregation Database.;Multiple lines of computational evidence support a deleterious effect on the gene or gene product.